The following is an entry in ClinVar:

NM_133642.5(LARGE1):c.599A>G (p.Asn200Ser)

Gene: LARGE1 (LARGE xylosyl- and glucuronyltransferase 1; minus strand). Cytogenetic location: 22q12.3.
Variant type: single nucleotide variant.
Coding change: c.599A>G on transcript NM_133642.5 (MANE Select); coding-DNA position 599, A replaced by G.
Protein change: p.Asn200Ser; replaces asparagine 200 with serine.
Molecular consequence: missense variant.
Genome position (GRCh38, 1-based): chr22:33,604,451, T>C on the plus strand (A>G on the coding strand, the complement: LARGE1 is on the minus strand). VCF-style: chr22-33604451-T-C. GRCh37 (hg19) VCF-style: chr22-34000437-T-C.
Other names: c.599A>G, p.Asn200Ser (NM_001362949.2, NM_001362951.2, NM_001362953.2 and 7 more transcripts); c.599A>G (NM_133642.3); short protein forms N200S.
Identifiers: ClinVar variation 1429168 (VCV001429168.4), dbSNP rs2148978936, ClinGen allele CA411546660.
Genomic context (GRCh38, chr22:33,604,451, plus strand): 5'-CCAGCTAGAGGAGATCACGGAAGTGCCTCCCCTCCTGCCCATACCTTGAGCTCGTCTGCA[T>C]TGTAGAAGTCCACACGCACAGCGGGCACCATCCAGGTCTGGAAGAGCGTGGCCAGGATCT-3'
Protein context (NP_598397.1, residues 190-210): MVPAVRVDFY[Asn200Ser]ADELKSEVSW

ClinVar aggregate classification (germline): Uncertain significance. Review status: criteria provided, multiple submitters, no conflicts (2 of 4 stars). 2 submissions from 2 submitters: Uncertain significance (2). Last evaluated 2022-07-19.

Conditions:
Muscular dystrophy-dystroglycanopathy type B6 (MDDGB6). Also called: MUSCULAR DYSTROPHY-DYSTROGLYCANOPATHY (CONGENITAL WITH IMPAIRED INTELLECTUAL DEVELOPMENT), TYPE B, 6; MUSCULAR DYSTROPHY, CONGENITAL, LARGE-RELATED; MUSCULAR DYSTROPHY, CONGENITAL, TYPE 1D. Identifiers: MedGen C1837229, MONDO:0012138, OMIM 608840.

Submissions (2):

Labcorp Genetics (formerly Invitae), Labcorp
Classification: Uncertain significance for Muscular dystrophy-dystroglycanopathy type B6. Last evaluated: 2022-07-19. Review status: criteria provided, single submitter. Criteria: Invitae Variant Classification Sherloc (09022015). Collection method: clinical testing. Allele origin: germline.
Comment: This sequence change replaces asparagine, which is neutral and polar, with serine, which is neutral and polar, at codon 200 of the LARGE1 protein (p.Asn200Ser). This variant is not present in population databases (gnomAD no frequency). This variant has not been reported in the literature in individuals affected with LARGE1-related conditions. ClinVar contains an entry for this variant (Variation ID: 1429168). Algorithms developed to predict the effect of missense changes on protein structure and function (SIFT, PolyPhen-2, Align-GVGD) all suggest that this variant is likely to be tolerated. Algorithms developed to predict the effect of sequence changes on RNA splicing suggest that this variant may create or strengthen a splice site. In summary, the available evidence is currently insufficient to determine the role of this variant in disease. Therefore, it has been classified as a Variant of Uncertain Significance.

Clinical Genetics Laboratory, Skane University Hospital Lund
Classification: Uncertain significance. Last evaluated: 2022-05-27. Review status: criteria provided, single submitter. Criteria: ACMG Guidelines, 2015. Collection method: clinical testing. Allele origin: germline. Affected: yes.